The following is an entry in ClinVar:

NM_178857.6(RP1L1):c.744C>A (p.Asn248Lys)

Gene: RP1L1 (RP1 like 1). Cytogenetic location: 8p23.1.
Variant type: single nucleotide variant.
Coding change: c.744C>A on transcript NM_178857.6 (MANE Select); coding-DNA position 744, C replaced by A.
Protein change: p.Asn248Lys; replaces asparagine 248 with lysine.
Molecular consequence: missense variant.
Genome position (GRCh38, 1-based): chr8:10,616,453, G>T on the plus strand (C>A on the coding strand, the complement: RP1L1 is on the minus strand). VCF-style: chr8-10616453-G-T. GRCh37 (hg19) VCF-style: chr8-10473963-G-T.
Other names: short protein forms N248K.
Identifiers: ClinVar variation 4764184 (VCV004764184.1).
Genomic context (GRCh38, chr8:10,616,453, plus strand): 5'-CTGAACCACCATGCAGTGCAAATCAGATGGGGGAAACCCAAAAACCAACTCACCGTTTTT[G>T]TTTCTTGAAGTCAGCCCAGATAAAGTTTCAGCCTCGCTTCTCCTGGCATTTTTCATGGCT-3'
Protein context (NP_849188.4, residues 238-258): AETLSGLTSR[Asn248Lys]KNGSWGPKTK

ClinVar aggregate classification (germline): Uncertain significance (1 of 4 stars; one submission).

gnomAD v4.1: 2 of 1,614,214 alleles (0.00012%); highest among the groups gnomAD compares: Non-Finnish European, 0.00017%; no homozygotes.

Submission:

Labcorp Genetics (formerly Invitae), Labcorp
Classification: Uncertain significance. Last evaluated: 2025-12-26. Review status: criteria provided, single submitter. Criteria: Invitae Variant Classification Sherloc (09022015). Collection method: clinical testing. Allele origin: germline.
Comment: This sequence change replaces asparagine, which is neutral and polar, with lysine, which is basic and polar, at codon 248 of the RP1L1 protein (p.Asn248Lys). This variant is not present in population databases (gnomAD no frequency). This variant has not been reported in the literature in individuals affected with RP1L1-related conditions. Invitae Evidence Modeling of protein sequence and biophysical properties (such as structural, functional, and spatial information, amino acid conservation, physicochemical variation, residue mobility, and thermodynamic stability) indicates that this missense variant is not expected to disrupt RP1L1 protein function with a negative predictive value of 80%. In summary, the available evidence is currently insufficient to determine the role of this variant in disease. Therefore, it has been classified as a Variant of Uncertain Significance.